The following is an entry in ClinVar:

NM_000051.4(ATM):c.2187C>T (p.Tyr729=)

Gene: ATM (ATM serine/threonine kinase; plus strand). Cytogenetic location: 11q22.3.
Variant type: single nucleotide variant.
Coding change: c.2187C>T on transcript NM_000051.4 (MANE Select); coding-DNA position 2187, C replaced by T.
Protein change: p.Tyr729=; no amino-acid change (tyrosine 729 retained).
Molecular consequence: synonymous variant.
Genome position (GRCh38, 1-based): chr11:108,256,277, C>T. VCF-style: chr11-108256277-C-T. GRCh37 (hg19) VCF-style: chr11-108127004-C-T.
Other names: c.2187C>T, p.Tyr729= (NM_001351834.2).
Identifiers: ClinVar variation 220365 (VCV000220365.22), dbSNP rs373430058, ClinGen allele CA349368.

ClinVar aggregate classification (germline): Benign/Likely benign. Review status: criteria provided, multiple submitters, no conflicts (2 of 4 stars). 8 submissions from 8 submitters: Benign (2); Likely benign (5). 1 of the submissions does not count toward it. Last evaluated 2026-01-31.

Conditions:
ATM-related disorder. Also called: ATM-related disorders; ATM-related condition.
Hereditary cancer-predisposing syndrome. Also called: Tumor predisposition; Hereditary neoplastic syndrome; Neoplastic Syndromes, Hereditary; Hereditary Cancer Syndrome. Identifiers: Orphanet 140162, MedGen C0027672, MeSH D009386, MONDO:0015356.
Ataxia-telangiectasia syndrome (AT). Also called: Ataxia-telangiectasia, complementation group E; AT, COMPLEMENTATION GROUP C; ATAXIA-TELANGIECTASIA, COMPLEMENTATION GROUP A; ATAXIA-TELANGIECTASIA, FRESNO VARIANT; Ataxia-telangiectasia; LOUIS-BAR SYNDROME. Identifiers: Orphanet 100, MedGen C0004135, MONDO:0008840, OMIM 208900.
Familial cancer of breast. Also called: hereditary breast carcinoma; Hereditary breast cancer; BREAST CANCER, FAMILIAL. Identifiers: Orphanet 227535, MedGen C0346153, MONDO:0016419, OMIM 114480. Disease mechanism: loss of function.

Allele frequency attached by ClinVar (database versions not stated): gnomAD exomes 0.00002; ExAC 0.00003; gnomAD 0.00003; ESP Exome Variant Server 0.00008; TOPMed 0.00008.
gnomAD v4.1: 17 of 1,611,110 alleles (0.0011%); highest among the groups gnomAD compares: Admixed American, 0.0033%; no homozygotes.

Submissions (8):

Labcorp Genetics (formerly Invitae), Labcorp
Classification: Likely benign for Ataxia-telangiectasia syndrome. Last evaluated: 2026-01-31. Review status: criteria provided, single submitter. Criteria: Invitae Variant Classification Sherloc (09022015). Collection method: clinical testing. Allele origin: germline.

Myriad Genetics, Inc.
Classification: Benign for Familial cancer of breast. Last evaluated: 2024-05-07. Review status: criteria provided, single submitter. Criteria: Myriad Autosomal Dominant, Autosomal Recessive and X-Linked Classification Criteria (2023). Collection method: clinical testing. Allele origin: unknown.
Comment: This variant is considered benign. This variant is a silent/synonymous amino acid change and it is not expected to impact splicing.

Sema4
Classification: Likely benign for Hereditary cancer-predisposing syndrome. Last evaluated: 2021-07-27. Review status: criteria provided, single submitter. Criteria: Sema4 Curation Guidelines. Collection method: curation. Allele origin: germline.

Women's Health and Genetics/Laboratory Corporation of America, LabCorp
Classification: Likely benign. Last evaluated: 2020-06-27. Review status: criteria provided, single submitter. Criteria: LabCorp Variant Classification Summary - May 2015. Collection method: clinical testing. Allele origin: germline.

Color Diagnostics, LLC DBA Color Health
Classification: Likely benign for Hereditary cancer-predisposing syndrome. Last evaluated: 2017-02-26. Review status: criteria provided, single submitter. Criteria: ACMG Guidelines, 2015. Collection method: clinical testing. Allele origin: germline.

GeneDx
Classification: Benign. Last evaluated: 2015-07-27. Review status: criteria provided, single submitter. Criteria: GeneDx Variant Classification (06012015). Collection method: clinical testing. Allele origin: germline. Affected: yes.
Comment: This variant is considered likely benign or benign based on one or more of the following criteria: it is a conservative change, it occurs at a poorly conserved position in the protein, it is predicted to be benign by multiple in silico algorithms, and/or has population frequency not consistent with disease.

Ambry Genetics
Classification: Likely benign for Hereditary cancer-predisposing syndrome. Last evaluated: 2015-03-06. Review status: criteria provided, single submitter. Criteria: Ambry Variant Classification Scheme 2023. Collection method: clinical testing. Allele origin: germline.

PreventionGenetics, part of Exact Sciences
Classification: Likely benign for ATM-related condition. Last evaluated: 2020-10-19. Review status: no assertion criteria provided. Collection method: clinical testing. Allele origin: germline. Not counted in ClinVar's aggregate classification.
Comment: This variant is classified as likely benign based on ACMG/AMP sequence variant interpretation guidelines (Richards et al. 2015 PMID: 25741868, with internal and published modifications).